The following is an entry in ClinVar:

ClinVar aggregate classification (germline): Uncertain significance (1 of 4 stars; one submission).

Conditions:
Renal cell carcinoma. Identifiers: Orphanet 217071, MedGen C0007134, MeSH D002292, MONDO:0005086, HP:0005584.

Submission:

Labcorp Genetics (formerly Invitae), Labcorp
Classification: Uncertain significance for Renal cell carcinoma. Last evaluated: 2023-06-21. Review status: criteria provided, single submitter. Criteria: Invitae Variant Classification Sherloc (09022015). Collection method: clinical testing. Allele origin: germline.
Comment: This sequence change replaces glycine, which is neutral and non-polar, with glutamic acid, which is acidic and polar, at codon 287 of the MET protein (p.Gly287Glu). This variant is not present in population databases (gnomAD no frequency). In summary, the available evidence is currently insufficient to determine the role of this variant in disease. Therefore, it has been classified as a Variant of Uncertain Significance. Advanced modeling of protein sequence and biophysical properties (such as structural, functional, and spatial information, amino acid conservation, physicochemical variation, residue mobility, and thermodynamic stability) performed at Invitae indicates that this missense variant is not expected to disrupt MET protein function. This variant has not been reported in the literature in individuals affected with MET-related conditions.

NM_000245.4(MET):c.860G>A (p.Gly287Glu)

Gene: MET (MET proto-oncogene, receptor tyrosine kinase; plus strand). Cytogenetic location: 7q31.2.
Variant type: single nucleotide variant.
Coding change: c.860G>A on transcript NM_000245.4 (MANE Select); coding-DNA position 860, G replaced by A.
Protein change: p.Gly287Glu; replaces glycine 287 with glutamic acid.
Molecular consequence: missense variant. On other transcripts: intron variant (1).
Genome position (GRCh38, 1-based): chr7:116,699,944, G>A. VCF-style: chr7-116699944-G-A. GRCh37 (hg19) VCF-style: chr7-116339998-G-A.
Other names: c.860G>A, p.Gly287Glu (NM_001324401.3, NM_001127500.3); c.-91+27367G>A (NM_001324402.2); short protein forms G287E.
Identifiers: ClinVar variation 2721939 (VCV002721939.3), dbSNP rs2116599722, ClinGen allele CA368970009.